The following is an entry in ClinVar:

NM_000260.4(MYO7A):c.1201-2A>G

Gene: MYO7A (myosin VIIA; plus strand). Cytogenetic location: 11q13.5.
Variant type: single nucleotide variant.
Coding change: c.1201-2A>G on transcript NM_000260.4 (MANE Select); the canonical splice acceptor site of the intron before coding-DNA position 1201, A replaced by G.
Molecular consequence: splice acceptor variant.
Genome position (GRCh38, 1-based): chr11:77,160,971, A>G. VCF-style: chr11-77160971-A-G. GRCh37 (hg19) VCF-style: chr11-76872017-A-G.
Other names: c.1168-2A>G (NM_001369365.1); c.1201-2A>G (NM_001127180.2).
Identifiers: ClinVar variation 2749294 (VCV002749294.3), dbSNP rs2496843073, ClinGen allele CA381934787.

ClinVar aggregate classification (germline): Likely pathogenic (1 of 4 stars; one submission).

Submission:

Labcorp Genetics (formerly Invitae), Labcorp
Classification: Likely pathogenic. Last evaluated: 2023-08-02. Review status: criteria provided, single submitter. Criteria: Invitae Variant Classification Sherloc (09022015). Collection method: clinical testing. Allele origin: germline.
Comment: This variant has not been reported in the literature in individuals affected with MYO7A-related conditions. This sequence change affects an acceptor splice site in intron 11 of the MYO7A gene. It is expected to disrupt RNA splicing. Variants that disrupt the donor or acceptor splice site typically lead to a loss of protein function (PMID: 16199547), and loss-of-function variants in MYO7A are known to be pathogenic (PMID: 8900236, 25404053). This variant is not present in population databases (gnomAD no frequency). Algorithms developed to predict the effect of sequence changes on RNA splicing suggest that this variant may disrupt the consensus splice site. In summary, the currently available evidence indicates that the variant is pathogenic, but additional data are needed to prove that conclusively. Therefore, this variant has been classified as Likely Pathogenic.

Literature cited by the submitters: PubMed 16199547; PubMed 8900236; PubMed 25404053.